The following is an entry in ClinVar:

NM_182961.4(SYNE1):c.9010-5A>G

Gene: SYNE1 (spectrin repeat containing nuclear envelope protein 1; minus strand). Cytogenetic location: 6q25.2.
Variant type: single nucleotide variant.
Coding change: c.9010-5A>G on transcript NM_182961.4 (MANE Select); 5 bases into the intron before coding-DNA position 9010, A replaced by G.
Molecular consequence: intron variant.
Genome position (GRCh38, 1-based): chr6:152,376,917, T>C on the plus strand (A>G on the coding strand, the complement: SYNE1 is on the minus strand). VCF-style: chr6-152376917-T-C. GRCh37 (hg19) VCF-style: chr6-152698052-T-C.
Other names: c.9031-5A>G (NM_033071.5).
Identifiers: ClinVar variation 4874405 (VCV004874405.2).
Genomic context (GRCh38, chr6:152,376,917, plus strand): 5'-TGAGACTTGAGATCCTCTGTTCTAGGCTCTGCTTTTTGCAAAGCATCCAGTATCTCCTGT[T>C]CAGAAATAATGAGACAAAGAAGCGAGCACTTACATTGGGTGATCTCCATATCTTCACACT-3'

ClinVar aggregate classification (germline): Uncertain significance (1 of 4 stars; one submission).

gnomAD v4.1: 6 of 1,613,664 alleles (0.00037%); highest among the groups gnomAD compares: Non-Finnish European, 0.00051%; no homozygotes.

Submission:

CeGaT Center for Human Genetics Tuebingen
Classification: Uncertain significance. Last evaluated: 2026-05-01. Review status: criteria provided, single submitter. Criteria: CeGaT Center For Human Genetics Tuebingen Variant Classification Criteria Version 2. Collection method: clinical testing. Allele origin: germline. Affected: yes. Observed: 1 variant allele.
Comment: SYNE1: PM2, BP4